The following is an entry in ClinVar:

ClinVar aggregate classification (germline): Benign. Review status: criteria provided, multiple submitters, no conflicts (2 of 4 stars). 2 submissions from 2 submitters: Benign (2). Last evaluated 2021-03-31.

Conditions:
Deficiency of phosphoserine phosphatase (PSPHD). Also called: Phosphoserine phosphatase deficiency; PSPH deficiency. Identifiers: Orphanet 79350, MedGen C1291463, MONDO:0013531, OMIM 614023.

Allele frequency attached by ClinVar (database versions not stated): gnomAD exomes 0.03758; ExAC 0.05929; 1000 Genomes Project 30x 0.35946.

Submissions (2):

GeneDx
Classification: Benign. Last evaluated: 2021-03-31. Review status: criteria provided, single submitter. Criteria: GeneDx Variant Classification Process June 2021. Collection method: clinical testing. Allele origin: germline. Affected: yes.

Illumina Laboratory Services, Illumina
Classification: Benign for Deficiency of phosphoserine phosphatase. Last evaluated: 2018-01-13. Review status: criteria provided, single submitter. Criteria: ICSL Variant Classification Criteria 13 December 2019. Collection method: clinical testing. Allele origin: germline.
Comment: This variant was observed in the ICSL laboratory as part of a predisposition screen in an ostensibly healthy population. It had not been previously curated by ICSL or reported in the Human Gene Mutation Database (HGMD: prior to June 1st, 2018), and was therefore a candidate for classification through an automated scoring system. Utilizing variant allele frequency, disease prevalence and penetrance estimates, and inheritance mode, an automated score was calculated to assess if this variant is too frequent to cause the disease. Based on the score and internal cut-off values, a variant classified as benign is not then subjected to further curation. The score for this variant resulted in a classification of benign for this disease.

NM_004577.4(PSPH):c.189A>G (p.Thr63=)

Gene: PSPH (phosphoserine phosphatase; minus strand). Cytogenetic location: 7p11.2.
Variant type: single nucleotide variant.
Coding change: c.189A>G on transcript NM_004577.4 (MANE Select); coding-DNA position 189, A replaced by G.
Protein change: p.Thr63=; no amino-acid change (threonine 63 retained).
Molecular consequence: synonymous variant.
Genome position (GRCh38, 1-based): chr7:56,019,686, T>C on the plus strand (A>G on the coding strand, the complement: PSPH is on the minus strand). VCF-style: chr7-56019686-T-C. GRCh37 (hg19) VCF-style: chr7-56087379-T-C.
Other names: c.189A>G, p.Thr63= (NM_001370503.1, NM_001370504.1, NM_001370505.1 and 17 more transcripts).
Identifiers: ClinVar variation 911508 (VCV000911508.7), dbSNP rs201935398, ClinGen allele CA4268743.